The following is an entry in ClinVar:

ClinVar aggregate classification (germline): Uncertain significance (1 of 4 stars; one submission).

Submission:

GeneDx
Classification: Uncertain significance. Last evaluated: 2026-02-05. Review status: criteria provided, single submitter. Criteria: GeneDx Variant Classification Process June 2021. Collection method: clinical testing. Allele origin: germline.
Comment: Not observed at significant frequency in large population cohorts (gnomAD); In silico analysis supports that this missense variant has a deleterious effect on protein structure/function; Has not been previously published as pathogenic or benign to our knowledge; In silico analysis suggests this variant may impact gene splicing. In the absence of RNA/functional studies, the actual effect of this sequence change is unknown.

NM_001080517.3(SETD5):c.1867A>G (p.Arg623Gly)

Gene: SETD5 (SET domain containing 5; plus strand). Cytogenetic location: 3p25.3.
Variant type: single nucleotide variant.
Coding change: c.1867A>G on transcript NM_001080517.3 (MANE Select); coding-DNA position 1867, A replaced by G.
Protein change: p.Arg623Gly; replaces arginine 623 with glycine.
Molecular consequence: missense variant.
Genome position (GRCh38, 1-based): chr3:9,447,770, A>G. VCF-style: chr3-9447770-A-G. GRCh37 (hg19) VCF-style: chr3-9489454-A-G.
Other names: c.1573A>G, p.Arg525Gly (NM_001292043.2, NM_001349451.2); c.1963A>G, p.Arg655Gly (NM_001437633.1); c.1924A>G, p.Arg642Gly (NM_001437635.1); c.1867A>G, p.Arg623Gly (NM_001437643.1); c.1906A>G, p.Arg636Gly (NM_001437701.1); short protein forms R525G, R623G, R636G, R642G, R655G.
Identifiers: ClinVar variation 4976128 (VCV004976128.1).